The following is an entry in ClinVar:

ClinVar aggregate classification (germline): Conflicting classifications of pathogenicity. Review status: criteria provided, conflicting classifications (1 of 4 stars). 4 submissions from 4 submitters: Likely pathogenic (2); Uncertain significance (2). Last evaluated 2025-09-19.

Conditions:
Hyperinsulinemic hypoglycemia, familial, 2. Also called: HYPERINSULINEMIC HYPOGLYCEMIA, PERSISTENT; HYPERINSULINISM, NEONATAL. Identifiers: Orphanet 276580, Orphanet 276603, MedGen C2931833, MONDO:0011153, OMIM 601820. Disease mechanism: loss of function.

Allele frequency attached by ClinVar (database versions not stated): gnomAD exomes 0.00001.

Submissions (4):

First Genomix Gene Laboratory, Genetic Diagnostics Department
Classification: Likely pathogenic for Hyperinsulinemic hypoglycemia, familial, 2. Last evaluated: 2025-09-19. Review status: criteria provided, single submitter. Criteria: ACMG Guidelines, 2015. Collection method: clinical testing. Allele origin: germline. Inheritance: Autosomal recessive inheritance. Affected: no. Observed: 1 variant allele.

Labcorp Genetics (formerly Invitae), Labcorp
Classification: Likely pathogenic. Last evaluated: 2024-05-06. Review status: criteria provided, single submitter. Criteria: Invitae Variant Classification Sherloc (09022015). Collection method: clinical testing. Allele origin: germline.
Comment: This sequence change replaces valine, which is neutral and non-polar, with methionine, which is neutral and non-polar, at codon 44 of the KCNJ11 protein (p.Val44Met). This variant is present in population databases (no rsID available, gnomAD 0.007%). This missense change has been observed in individual(s) with clinical features of autosomal recessive KCNJ11-related conditions (PMID: 27181376). In at least one individual the data is consistent with being in trans (on the opposite chromosome) from a pathogenic variant. ClinVar contains an entry for this variant (Variation ID: 1338560). Advanced modeling of protein sequence and biophysical properties (such as structural, functional, and spatial information, amino acid conservation, physicochemical variation, residue mobility, and thermodynamic stability) performed at Invitae indicates that this missense variant is expected to disrupt KCNJ11 protein function with a positive predictive value of 95%. In summary, the currently available evidence indicates that the variant is pathogenic, but additional data are needed to prove that conclusively. Therefore, this variant has been classified as Likely Pathogenic.

Blueprint Genetics
Classification: Uncertain significance. Last evaluated: 2024-01-29. Review status: criteria provided, single submitter. Criteria: ACMG Guidelines, 2015. Collection method: clinical testing. Allele origin: germline.

Genetic Services Laboratory, University of Chicago
Classification: Uncertain significance. Last evaluated: 2019-11-11. Review status: criteria provided, single submitter. Criteria: ACMG Guidelines, 2015. Collection method: clinical testing. Allele origin: germline. Affected: no.

Literature cited by the submitters: PubMed 27181376 (cited by Labcorp Genetics (formerly Invitae), Labcorp).

NM_000525.4(KCNJ11):c.130G>A (p.Val44Met)

Gene: KCNJ11 (potassium inwardly rectifying channel subfamily J member 11; minus strand). Cytogenetic location: 11p15.1.
Variant type: single nucleotide variant.
Coding change: c.130G>A on transcript NM_000525.4 (MANE Select); coding-DNA position 130, G replaced by A.
Protein change: p.Val44Met; replaces valine 44 with methionine.
Molecular consequence: missense variant. On other transcripts: intron variant (3).
Genome position (GRCh38, 1-based): chr11:17,387,962, C>T on the plus strand (G>A on the coding strand, the complement: KCNJ11 is on the minus strand). VCF-style: chr11-17387962-C-T. GRCh37 (hg19) VCF-style: chr11-17409509-C-T.
Other names: c.-16-116G>A (NM_001166290.2, NM_001377297.1); c.-17+56G>A (NM_001377296.1); short protein forms V44M.
Identifiers: ClinVar variation 1338560 (VCV001338560.8), dbSNP rs1282255458, ClinGen allele CA379776641.